The following is an entry in ClinVar:

NM_001369387.1(GNAL):c.26_28del (p.Lys9del)

Gene: GNAL (G protein subunit alpha L; plus strand). Cytogenetic location: 18p11.21.
Variant type: Deletion.
Coding change: c.26_28del on transcript NM_001369387.1 (MANE Plus Clinical); coding-DNA positions 26 to 28, 3 bases deleted (AGA; older notation c.26_28delAGA).
Protein change: p.Lys9del; deletes lysine 9.
Molecular consequence: inframe deletion. On other transcripts: intron variant (1).
Genome position (GRCh38, 1-based): chr18:11,752,459-11,752,461, AGA deleted; deleting any 3 consecutive bases within chr18:11,752,458-11,752,461 gives the same sequence; the c. name uses the placement nearest the transcript's 3' end. VCF-style (leftmost placement, unchanged base first): chr18-11752457-CAAG-C. GRCh37 (hg19) VCF-style: chr18-11752456-CAAG-C.
Other names: c.26_28del, p.Lys9del (NM_001142339.3, NM_001261443.2); c.377-394_377-392del (NM_182978.4); short protein forms K9del.
Identifiers: ClinVar variation 4746932 (VCV004746932.1).

ClinVar aggregate classification (germline): Uncertain significance (1 of 4 stars; one submission).

Conditions:
Dystonic disorder. Also called: Dystonia. Identifiers: MedGen C0013421, MONDO:0003441, HP:0001332.

Submission:

Labcorp Genetics (formerly Invitae), Labcorp
Classification: Uncertain significance for Dystonic disorder. Last evaluated: 2025-04-07. Review status: criteria provided, single submitter. Criteria: Invitae Variant Classification Sherloc (09022015). Collection method: clinical testing. Allele origin: germline.
Comment: This variant, c.26_28del, results in the deletion of 1 amino acid(s) of the GNAL protein (p.Lys9del), but otherwise preserves the integrity of the reading frame. This variant is present in population databases (rs780285611, gnomAD 0.004%). This variant has not been reported in the literature in individuals affected with GNAL-related conditions. Experimental studies and prediction algorithms are not available or were not evaluated, and the functional significance of this variant is currently unknown. In summary, the available evidence is currently insufficient to determine the role of this variant in disease. Therefore, it has been classified as a Variant of Uncertain Significance.